The following is an entry in ClinVar:

ClinVar aggregate classification (germline): Uncertain significance (1 of 4 stars; one submission).

Conditions:
Cardiovascular phenotype. Identifiers: MedGen CN230736.

gnomAD v4.1: 1 of 1,609,314 alleles (0.000062%); no homozygotes.

Submission:

Ambry Genetics
Classification: Uncertain significance for Cardiovascular phenotype. Last evaluated: 2023-06-09. Review status: criteria provided, single submitter. Criteria: Ambry Variant Classification Scheme 2023. Collection method: clinical testing. Allele origin: germline.
Comment: The p.N423S variant (also known as c.1268A>G), located in coding exon 9 of the LDB3 gene, results from an A to G substitution at nucleotide position 1268. The asparagine at codon 423 is replaced by serine, an amino acid with highly similar properties. This amino acid position is conserved. In addition, this alteration is predicted to be tolerated by in silico analysis. Since supporting evidence is limited at this time, the clinical significance of this alteration remains unclear.

NM_007078.3(LDB3):c.1268A>G (p.Asn423Ser)

Gene: LDB3 (LIM domain binding 3; plus strand). Cytogenetic location: 10q23.2.
Variant type: single nucleotide variant.
Coding change: c.1268A>G on transcript NM_007078.3 (MANE Select); coding-DNA position 1268, A replaced by G.
Protein change: p.Asn423Ser; replaces asparagine 423 with serine.
Molecular consequence: missense variant.
Genome position (GRCh38, 1-based): chr10:86,716,363, A>G. VCF-style: chr10-86716363-A-G. GRCh37 (hg19) VCF-style: chr10-88476120-A-G.
Other names: c.938A>G, p.Asn313Ser (NM_001080114.2); c.1283A>G, p.Asn428Ser (NM_001171610.2); c.1079A>G, p.Asn360Ser (NM_001368064.1, NM_001368065.1); c.1127A>G, p.Asn376Ser (NM_001368066.1); short protein forms N428S, N376S, N423S, N313S, N360S.
Identifiers: ClinVar variation 2563927 (VCV002563927.2), dbSNP rs1361280020, ClinGen allele CA377449457.